The following continues an entry in ClinVar:

NM_000463.3(UGT1A1):c.686C>A (p.Pro229Gln)

ClinVar aggregate classification (germline): Conflicting classifications of pathogenicity; other. Pathogenic (3); Likely pathogenic (1); Uncertain significance (7); Benign (1).

Submissions 9 to 17 of 17:

Laboratory for Molecular Medicine, Mass General Brigham Personalized Medicine
Classification: Uncertain significance. Last evaluated: 2020-06-19. Review status: criteria provided, single submitter. Criteria: LMM Criteria. Collection method: clinical testing. Allele origin: germline. Observed: 1 variant allele.
Comment: The p.Pro229Gln variant in UGT1A1 has been reported in the heterogygous and compound heterozygous state in numerous individuals with Gilbert syndrome or Crigler-Najjar syndrome type II , however, most of them were also homozygous for other pathogenic variants in the gene. This variant has also been reported in ClinVar (Variation ID 12274). It has been identified in 1.9% (389/19954) of East Asian chromosomes by gnomAD. Computational prediction tools and conservation analysis suggest that this variant may not impact the protein, though this information is not predictive enough to rule out pathogenicity. In vitro functional studies provide some evidence that this variant impacts protein function (Gagne 2002 PMID: 12181437, Udomuksorn 2007 PMID: 18004206); however, these types of assays may not accurately represent biological function. In summary, the clinical significance of this variant is uncertain. ACMG/AMP Criteria applied: PS3_Supporting, BS1_Supporting, BP4.

Eurofins Ntd Llc (ga)
Classification: other. Last evaluated: 2018-09-17. Review status: criteria provided, single submitter. Criteria: EGL ClinVar v180209 classification definitions. Collection method: clinical testing. Allele origin: germline. Observed: 15 variant alleles, 14 heterozygotes, 1 homozygote.

Genetic Services Laboratory, University of Chicago
Classification: Benign. Last evaluated: 2013-02-08. Review status: criteria provided, single submitter. Criteria: ACMG Guidelines, 2007. Collection method: clinical testing. Allele origin: germline. Inheritance: Autosomal recessive inheritance.

Department of Traditional Chinese Medicine, Fujian Provincial Hospital
Classification: Pathogenic for Gilbert syndrome. Review status: criteria provided, single submitter. Criteria: ACMG Guidelines, 2015. Collection method: research. Allele origin: inherited.
Comment: NM _ 000463.3 (UGT1A1): C686A is a missense mutation, and in vitro functional studies show that this mutation will affect the function of UGT1A1 protein (PMID:8528206,18004206,12181437). According to ACMG guidelines, the mutation point conforms to PS3_Supporting (Well-established in vitro or in vivo functional studies supportive of a damaging effect on the gene or gene product.), PM3_VeryStrong (For recessive disorders, detected in trans with a pathogenic variant.) and PM5 (Novel missense change at an amino acid residue where a different missense change determined to be pathogenic has been seen before.), so we thought the mutation point was pathogenic.

Juno Genomics, Hangzhou Juno Genomics, Inc
Classification: Uncertain significance for BILIRUBIN, SERUM LEVEL OF, QUANTITATIVE TRAIT LOCUS 1; Gilbert syndrome; Crigler-Najjar syndrome type 1; Crigler-Najjar syndrome, type II; Lucey-Driscoll syndrome. Review status: criteria provided, single submitter. Criteria: ACMG Guidelines, 2015. Collection method: clinical testing. Allele origin: germline. Affected: yes.
Comment: Allele frequency is greater than expected for disorder.;For recessive disorders, detected in trans with a pathogenic variant.;Patient's phenotype or family history is highly specific for a disease with a single genetic etiology.;Well-established in vitro or in vivo functional studies supportive of a damaging effect on the gene or gene product.

Difficult and Complicated Liver Diseases and Artificial Liver Center, Beijing You An Hospital, Capital Medical University
Classification: Pathogenic for Gilbert syndrome. Last evaluated: 2019-05-01. Review status: no assertion criteria provided. Collection method: case-control. Allele origin: inherited. Observed: 13 variant alleles. Not counted in ClinVar's aggregate classification.

OMIM
Classification: Affects for GILBERT SYNDROME. Last evaluated: 2007-12-01. Review status: no assertion criteria provided. Collection method: literature only. Allele origin: germline. Not counted in ClinVar's aggregate classification.

OMIM
Classification: Pathogenic for CRIGLER-NAJJAR SYNDROME, TYPE II. Last evaluated: 2007-12-01. Review status: no assertion criteria provided. Collection method: literature only. Allele origin: germline. Not counted in ClinVar's aggregate classification.

Department of Traditional Chinese Medicine, Fujian Provincial Hospital
Classification: Pathogenic for Crigler-Najjar syndrome, type II. Review status: no assertion criteria provided. Collection method: research. Allele origin: unknown. Not counted in ClinVar's aggregate classification.
Comment: NM_000463.3 (UGT1A1) : c.C686A (p.P229Q) is a missense variant that has been documented to be detected in samples from patients with the same phenotype(PMID:30544479, 29137095, 25200497, 15304120, 14616765, 12181437, 18004206, 7715297, 8528206), and in vitro functional studies have shown that this variant affects UGT1A1 protein function (PMID:8528206, 18004206, 7715297). In accordance with the ACMG standards, this mutation aligns with PS3 (Well-established in vitro or in vivo functional studies supportive of a damaging effect on the gene or gene product.), PM3 (For recessive disorders, detected in trans with a pathogenic variant.) and PM5 (Novel missense change at an amino acid residue where a different missense change determined to be pathogenic has been seen before.), so we classified it as a pathogenic mutation.

Literature cited by the submitters: PubMed 7715297 (cited by 3 submitters); PubMed 8528206 (cited by 5 submitters); PubMed 14616765 (cited by 3 submitters); PubMed 11316168 (cited by Labcorp Genetics (formerly Invitae), Labcorp and Mayo Clinic Laboratories, Mayo Clinic); PubMed 19325249 (cited by Labcorp Genetics (formerly Invitae), Labcorp); PubMed 15304120 (cited by 3 submitters); PubMed 18004206 (cited by 5 submitters); PubMed 11156391 (cited by Mayo Clinic Laboratories, Mayo Clinic); PubMed 12181437 (cited by 3 submitters); PubMed 25200497 (cited by Mayo Clinic Laboratories, Mayo Clinic); PubMed 29137095 (cited by Mayo Clinic Laboratories, Mayo Clinic and Laboratory for Molecular Medicine, Mass General Brigham Personalized Medicine); PubMed 29607327 (cited by Mayo Clinic Laboratories, Mayo Clinic); PubMed 30544479 (cited by Mayo Clinic Laboratories, Mayo Clinic and Laboratory for Molecular Medicine, Mass General Brigham Personalized Medicine); PubMed 31467903 (cited by Mayo Clinic Laboratories, Mayo Clinic and Laboratory for Molecular Medicine, Mass General Brigham Personalized Medicine); PubMed 9621515 (cited by 3 submitters); PubMed 25755387 (cited by Laboratory for Molecular Medicine, Mass General Brigham Personalized Medicine); PubMed 1692835 (cited by OMIM); PubMed 6480579 (cited by OMIM); DOI 10.1093/hmg/4.7.1183 (cited by Department of Traditional Chinese Medicine, Fujian Provincial Hospital).